The following is an entry in ClinVar:

NM_021076.4(NEFH):c.3057dup (p.Lys1020fs)

Gene: NEFH (neurofilament heavy chain; plus strand). Cytogenetic location: 22q12.2.
Variant type: Duplication.
Coding change: c.3057dup on transcript NM_021076.4 (MANE Select); coding-DNA position 3057, one base duplicated (G; older notation c.3057dupG).
Protein change: p.Lys1020fs; shifts the reading frame from lysine 1020.
Molecular consequence: frameshift variant.
Genome position (GRCh38, 1-based): chr22:29,490,697, G duplicated; the last of 4 consecutive G bases (chr22:29,490,694-29,490,697); duplicating any one gives the same sequence. VCF-style (leftmost placement, unchanged base first): chr22-29490693-A-AG. GRCh37 (hg19) VCF-style: chr22-29886682-A-AG.
Other names: short protein forms K1020fs.
Identifiers: ClinVar variation 870692 (VCV000870692.48), dbSNP rs2063076388, ClinGen allele CA1139667023.

ClinVar aggregate classification (germline): Pathogenic/Likely pathogenic. Review status: criteria provided, multiple submitters, no conflicts (2 of 4 stars). 5 submissions from 5 submitters: Pathogenic (4); Likely pathogenic (1). Last evaluated 2025-09-10.

Conditions:
NEFH-related disorder. Also called: NEFH-related condition.
Charcot-Marie-Tooth disease axonal type 2CC. Also called: CHARCOT-MARIE-TOOTH NEUROPATHY, TYPE 2CC. Identifiers: MedGen C4310790, MONDO:0014836, OMIM 616924.

Submissions (5):

3billion
Classification: Likely pathogenic for Charcot-Marie-Tooth disease axonal type 2CC. Last evaluated: 2025-09-10. Review status: criteria provided, single submitter. Criteria: ACMG Guidelines, 2015. Collection method: clinical testing. Allele origin: germline. Affected: yes.
Comment: The variant is not observed in the gnomAD v4.1.0 dataset. Predicted Consequence/Location: Frameshift: predicted to result in a loss or disruption of normal protein function through protein truncation. The predicted truncated protein may be shortened by less than 10%. The variant has been reported at least twice as pathogenic with clinical assertions and evidence for the classification (ClinVar ID: VCV000870692 /PMID: 29587262). Therefore, this variant is classified as Likely pathogenic according to the recommendation of ACMG/AMP guideline.

Division of Genetic & Genomic Pathology, Hong Kong Children's Hospital
Classification: Pathogenic for Charcot-Marie-Tooth disease axonal type 2CC. Last evaluated: 2024-07-19. Review status: criteria provided, single submitter. Criteria: ACMG Guidelines, 2015. Collection method: clinical testing. Allele origin: germline. Affected: yes.
Comment: The single base-pair duplication, c.3057dup in the NEFH gene is a reported pathogenic variant in ClinVar (Accession: VCV000870692.27). The frameshift duplication is located in the last exon (out of 4 exons), and is expected to disrupt the stop codon of the NEFH protein leading to an extension of the protein by 41 additional amino acid residues. This variant is absent in population controls (gnomAD v2.1.1 and v.4.1.0). This variant has been reported in individuals with Charcot-Marie-Tooth disease (PMID: 34275023, 34518334), including two independent families with complete segregation of phenotypes (PMID: 29587262, 30992180). Overall, the frameshift duplication (c.3057dup) is classified as PATHOGENIC.

Labcorp Genetics (formerly Invitae), Labcorp
Classification: Pathogenic. Last evaluated: 2024-04-02. Review status: criteria provided, single submitter. Criteria: Invitae Variant Classification Sherloc (09022015). Collection method: clinical testing. Allele origin: germline.
Comment: This sequence change results in a frameshift in the NEFH gene (p.Lys1020Glufs*43). While this is not anticipated to result in nonsense mediated decay, it is expected to disrupt the last 1 amino acid(s) of the NEFH protein and extend the protein by 41 additional amino acid residues. This variant is not present in population databases (gnomAD no frequency). This frameshift has been observed in individuals with Charcot-Marie-Tooth disease (PMID: 29587262, 30992180; Invitae). It has also been observed to segregate with disease in related individuals. ClinVar contains an entry for this variant (Variation ID: 870692). For these reasons, this variant has been classified as Pathogenic.

Blueprint Genetics
Classification: Pathogenic for NEFH-related disorders. Last evaluated: 2020-12-20. Review status: criteria provided, single submitter. Criteria: ACMG Guidelines, 2015. Collection method: clinical testing. Allele origin: germline. Affected: yes. Observed: 1 variant allele.

CeGaT Center for Human Genetics Tuebingen
Classification: Pathogenic. Last evaluated: 2018-04-01. Review status: criteria provided, single submitter. Criteria: CeGaT Center For Human Genetics Tuebingen Variant Classification Criteria Version 2. Collection method: clinical testing. Allele origin: germline. Affected: yes. Observed: 1 variant allele.

Literature cited by the submitters: PubMed 29587262 (cited by 3 submitters); PubMed 34275023 (cited by Division of Genetic & Genomic Pathology, Hong Kong Children's Hospital); PubMed 34518334 (cited by Division of Genetic & Genomic Pathology, Hong Kong Children's Hospital); PubMed 30992180 (cited by Division of Genetic & Genomic Pathology, Hong Kong Children's Hospital and Labcorp Genetics (formerly Invitae), Labcorp).